The following is an entry in ClinVar:

NM_014159.7(SETD2):c.1757A>T (p.His586Leu)

Gene: SETD2 (SET domain containing 2, histone lysine methyltransferase; minus strand). Cytogenetic location: 3p21.31.
Variant type: single nucleotide variant.
Coding change: c.1757A>T on transcript NM_014159.7 (MANE Select); coding-DNA position 1757, A replaced by T.
Protein change: p.His586Leu; replaces histidine 586 with leucine.
Molecular consequence: missense variant. On other transcripts: non-coding transcript variant (1).
Genome position (GRCh38, 1-based): chr3:47,122,879, T>A on the plus strand (A>T on the coding strand, the complement: SETD2 is on the minus strand). VCF-style: chr3-47122879-T-A. GRCh37 (hg19) VCF-style: chr3-47164369-T-A.
Other names: c.1625A>T, p.His542Leu (NM_001349370.3); short protein forms H542L, H586L.
Identifiers: ClinVar variation 2698070 (VCV002698070.3), dbSNP rs1386257292, ClinGen allele CA352529277.

ClinVar aggregate classification (germline): Uncertain significance (1 of 4 stars; one submission).

Conditions:
Luscan-Lumish syndrome. Identifiers: Orphanet 597738, MedGen C4085873, MONDO:0014791, OMIM 616831.

Submission:

Labcorp Genetics (formerly Invitae), Labcorp
Classification: Uncertain significance for Luscan-Lumish syndrome. Last evaluated: 2023-11-21. Review status: criteria provided, single submitter. Criteria: Invitae Variant Classification Sherloc (09022015). Collection method: clinical testing. Allele origin: germline.
Comment: This sequence change replaces histidine, which is basic and polar, with leucine, which is neutral and non-polar, at codon 586 of the SETD2 protein (p.His586Leu). This variant is not present in population databases (gnomAD no frequency). This variant has not been reported in the literature in individuals affected with SETD2-related conditions. Advanced modeling of protein sequence and biophysical properties (such as structural, functional, and spatial information, amino acid conservation, physicochemical variation, residue mobility, and thermodynamic stability) performed at Invitae indicates that this missense variant is not expected to disrupt SETD2 protein function with a negative predictive value of 80%. In summary, the available evidence is currently insufficient to determine the role of this variant in disease. Therefore, it has been classified as a Variant of Uncertain Significance.